The following is an entry in ClinVar:

NM_018834.6(MATR3):c.1658T>C (p.Leu553Ser)

Gene: MATR3 (matrin 3; plus strand). Cytogenetic location: 5q31.2.
Variant type: single nucleotide variant.
Coding change: c.1658T>C on transcript NM_018834.6 (MANE Select); coding-DNA position 1658, T replaced by C.
Protein change: p.Leu553Ser; replaces leucine 553 with serine.
Molecular consequence: missense variant.
Genome position (GRCh38, 1-based): chr5:139,321,953, T>C. VCF-style: chr5-139321953-T-C. GRCh37 (hg19) VCF-style: chr5-138657642-T-C.
Other names: c.1658T>C, p.Leu553Ser (NM_001194954.2, NM_001194955.2, NM_001400441.1 and 16 more transcripts); c.794T>C, p.Leu265Ser (NM_001194956.2); c.644T>C, p.Leu215Ser (NM_001282278.2, NM_001400460.1, NM_001400462.1 and 5 more transcripts); c.797T>C, p.Leu266Ser (NM_001400459.1); c.758T>C, p.Leu253Ser (NM_001400461.1); short protein forms L265S, L553S, L215S, L266S, L253S.
Identifiers: ClinVar variation 2720804 (VCV002720804.3), dbSNP rs1378263007, ClinGen allele CA361142856.
Genomic context (GRCh38, chr5:139,321,953, plus strand): 5'-TTAAGGCTTTTATTGAGATGGAGACAAGAGAAGATGCAATGGCAATGGTTGACCATTGTT[T>C]GAAAAAAGCCCTTTGGTTTCAGGGGAGATGTGTGAAGGTTGACCTGTCTGAGAAATATAA-3'
Protein context (NP_061322.2, residues 543-563): EDAMAMVDHC[Leu553Ser]KKALWFQGRC

ClinVar aggregate classification (germline): Uncertain significance (1 of 4 stars; one submission).

Conditions:
Amyotrophic lateral sclerosis type 21. Also called: VOCAL CORD AND PHARYNGEAL DYSFUNCTION WITH DISTAL MYOPATHY; MYOPATHY, DISTAL, 2. Identifiers: Orphanet 600, Orphanet 803, MedGen C3807521, MONDO:0011632, OMIM 606070.

Submission:

Labcorp Genetics (formerly Invitae), Labcorp
Classification: Uncertain significance for Amyotrophic lateral sclerosis type 21. Last evaluated: 2023-06-23. Review status: criteria provided, single submitter. Criteria: Invitae Variant Classification Sherloc (09022015). Collection method: clinical testing. Allele origin: germline.
Comment: In summary, the available evidence is currently insufficient to determine the role of this variant in disease. Therefore, it has been classified as a Variant of Uncertain Significance. Advanced modeling of protein sequence and biophysical properties (such as structural, functional, and spatial information, amino acid conservation, physicochemical variation, residue mobility, and thermodynamic stability) performed at Invitae indicates that this missense variant is not expected to disrupt MATR3 protein function. This variant has not been reported in the literature in individuals affected with MATR3-related conditions. This variant is not present in population databases (gnomAD no frequency). This sequence change replaces leucine, which is neutral and non-polar, with serine, which is neutral and polar, at codon 553 of the MATR3 protein (p.Leu553Ser).